The following is an entry in ClinVar:

NM_206933.4(USH2A):c.11389+1del

Gene: USH2A (usherin; minus strand). Cytogenetic location: 1q41.
Variant type: Deletion.
Coding change: c.11389+1del on transcript NM_206933.4 (MANE Select); the canonical splice donor site of the intron after coding-DNA position 11389, one base deleted (G; older notation c.11389+1delG).
Molecular consequence: splice donor variant.
Genome position (GRCh38, 1-based): chr1:215,758,594, C deleted on the plus strand (G on the coding strand, the reverse complement: USH2A is on the minus strand); the first of 2 consecutive C bases (chr1:215,758,594-215,758,595); deleting either gives the same sequence. VCF-style (leftmost placement, unchanged base first): chr1-215758593-AC-A. GRCh37 (hg19) VCF-style: chr1-215931935-AC-A.
Identifiers: ClinVar variation 558520 (VCV000558520.15), dbSNP rs1414935620, ClinGen allele CA658821741.
Genomic context (GRCh38, chr1:215,758,593, plus strand): 5'-TCTCTAATTAATTCCTTTAAAATGTTTACACACACACACACATACTTCTTTTTTTTTTTT[AC>A]CTGGTGGTATCCAAGCTACAAATATAGAATAAGGCCCAATTACTGTGATATTATATGGAG-3'

ClinVar aggregate classification (germline): Pathogenic/Likely pathogenic. Review status: criteria provided, multiple submitters, no conflicts (2 of 4 stars). 6 submissions from 5 submitters: Pathogenic (1); Likely pathogenic (4). 1 of the submissions does not count toward it. Last evaluated 2026-03-17.

Conditions:
USH2A-related disorder. Also called: USH2A-related disorders; USH2A-related condition. Identifiers: MedGen CN239332.
Retinitis pigmentosa 39 (RP39). Identifiers: Orphanet 791, MedGen C3151138, MONDO:0013436, OMIM 613809.
Usher syndrome type 2A. Also called: RETINAL DISEASE IN USHER SYNDROME TYPE IIA, MODIFIER OF; USHER SYNDROME, TYPE IIA. Identifiers: Orphanet 231178, Orphanet 886, MedGen C1848634, MONDO:0010169, OMIM 276901.

Submissions (6):

Myriad Genetics, Inc.
Classification: Likely pathogenic for USH2A-related disorder. Last evaluated: 2026-03-17. Review status: criteria provided, single submitter. Criteria: Myriad Autosomal Dominant, Autosomal Recessive and X-Linked Classification Criteria (2023). Collection method: clinical testing. Allele origin: unknown.
Comment: NM_206933.2(USH2A):c.11389+1delG is a variant in a canonical splice site classified as likely pathogenic in the context of USH2A-related disorders. c.11389+1delG has not been observed in cases with relevant disease. Relevant functional assessments of this variant are not available in the literature. c.11389+1delG has not been observed in referenced population frequency databases. In summary, NM_206933.2(USH2A):c.11389+1delG is a variant in a canonical splice site in a gene where loss of function is a known mechanism of disease and is predicted to disrupt protein function. Please note: this variant was assessed in the context of healthy population screening.

Fulgent Genetics
Classification: Likely pathogenic for Usher syndrome type 2A; Retinitis pigmentosa 39. Last evaluated: 2024-03-11. Review status: criteria provided, single submitter. Criteria: ACMG Guidelines, 2015. Collection method: clinical testing. Allele origin: germline.

Genome-Nilou Lab
Classification: Likely pathogenic for Retinitis pigmentosa 39. Last evaluated: 2023-04-11. Review status: criteria provided, single submitter. Criteria: ACMG Guidelines, 2015. Collection method: clinical testing. Allele origin: germline. Affected: no.

Genome-Nilou Lab
Classification: Likely pathogenic for Usher syndrome type 2A. Last evaluated: 2023-04-11. Review status: criteria provided, single submitter. Criteria: ACMG Guidelines, 2015. Collection method: clinical testing. Allele origin: germline. Affected: no.

Labcorp Genetics (formerly Invitae), Labcorp
Classification: Pathogenic. Last evaluated: 2019-07-15. Review status: criteria provided, single submitter. Criteria: Invitae Variant Classification Sherloc (09022015). Collection method: clinical testing. Allele origin: germline.
Comment: Disruption of this splice site has been observed in individual(s) with inherited retinal dystrophy (PMID: 25356976). In at least one individual the data is consistent with the variant being in trans (on the opposite chromosome) from a pathogenic variant. ClinVar contains an entry for this variant (Variation ID: 558520). This variant is not present in population databases (ExAC no frequency). This sequence change affects a donor splice site in intron 58 of the USH2A gene. It is expected to disrupt RNA splicing and likely results in an absent or disrupted protein product. Algorithms developed to predict the effect of sequence changes on RNA splicing suggest that this variant may disrupt the consensus splice site, but this prediction has not been confirmed by published transcriptional studies. For these reasons, this variant has been classified as Pathogenic. Donor and acceptor splice site variants typically lead to a loss of protein function (PMID: 16199547), and loss-of-function variants in USH2A are known to be pathogenic (PMID: 10729113, 10909849, 20507924, 25649381).

Counsyl
Classification: Likely pathogenic for Usher syndrome type 2A; Retinitis pigmentosa 39. Last evaluated: 2018-05-24. Review status: no assertion criteria provided. Collection method: clinical testing. Allele origin: unknown. Not counted in ClinVar's aggregate classification.

Literature cited by the submitters: PubMed 25356976 (cited by Labcorp Genetics (formerly Invitae), Labcorp); PubMed 16199547 (cited by Labcorp Genetics (formerly Invitae), Labcorp); PubMed 10729113 (cited by Labcorp Genetics (formerly Invitae), Labcorp); PubMed 10909849 (cited by Labcorp Genetics (formerly Invitae), Labcorp); PubMed 20507924 (cited by Labcorp Genetics (formerly Invitae), Labcorp); PubMed 25649381 (cited by Labcorp Genetics (formerly Invitae), Labcorp).